The following is an entry in ClinVar:

ClinVar aggregate classification (germline): Likely pathogenic (1 of 4 stars; one submission).

Conditions:
Autosomal recessive nonsyndromic hearing loss 7. Also called: DEAFNESS, AUTOSOMAL RECESSIVE 11. Identifiers: Orphanet 90636, MedGen C1832978, MONDO:0010967, OMIM 600974.

Submission:

Wonkam Laboratory, Johns Hopkins University
Classification: Likely pathogenic for Autosomal recessive nonsyndromic hearing loss 7. Last evaluated: 2024-01-06. Review status: criteria provided, single submitter. Criteria: ACMG Guidelines, 2015. Collection method: research. Allele origin: germline. Inheritance: Autosomal recessive inheritance. Affected: yes. Observed: 2 variant alleles.
Comment: The variant TMC1 c.565T>C (NM_138691.2) is Located in a mutational hot spot and/or critical and well-established functional domain (e.g., active site of an enzyme) without benign variation (PM1), Absent from controls (or at extremely low frequency if recessive) in Exome Sequencing Project, 1000 Genomes Project, or Exome Aggregation Consortium (PM2), Cosegregation with disease in multiple affected family members in a gene definitively known to cause the disease (PP1), Multiple lines of computational evidence support a deleterious effect on the gene or gene product (conservation, evolutionary, splicing impact, etc.) (PP3), Reputable source recently reports variant as pathogenic, but the evidence is not available to the laboratory to perform an independent evaluation (PP5). supporting

NM_138691.3(TMC1):c.565T>C (p.Phe189Leu)

Gene: TMC1 (transmembrane channel like 1; plus strand). Cytogenetic location: 9q21.13.
Variant type: single nucleotide variant.
Coding change: c.565T>C on transcript NM_138691.3 (MANE Select); coding-DNA position 565, T replaced by C.
Protein change: p.Phe189Leu; replaces phenylalanine 189 with leucine.
Molecular consequence: missense variant.
Genome position (GRCh38, 1-based): chr9:72,751,879, T>C. VCF-style: chr9-72751879-T-C. GRCh37 (hg19) VCF-style: chr9-75366795-T-C.
Other names: short protein forms F189L.
Identifiers: ClinVar variation 3767329 (VCV003767329.1).